The following is an entry in ClinVar:

ClinVar aggregate classification (germline): Uncertain significance (1 of 4 stars; one submission).

Conditions:
Hereditary cancer-predisposing syndrome. Also called: Neoplastic Syndromes, Hereditary; Tumor predisposition; Hereditary Cancer Syndrome; Hereditary neoplastic syndrome. Identifiers: Orphanet 140162, MedGen C0027672, MeSH D009386, MONDO:0015356.

Allele frequency attached by ClinVar (database versions not stated): gnomAD exomes 0.00001.
gnomAD v4.1: 7 of 1,592,042 alleles (0.00044%); highest among the groups gnomAD compares: Non-Finnish European, 0.0006%; no homozygotes.

Submission:

Color Diagnostics, LLC DBA Color Health
Classification: Uncertain significance for Hereditary cancer-predisposing syndrome. Last evaluated: 2021-10-25. Review status: criteria provided, single submitter. Criteria: ACMG Guidelines, 2015. Collection method: clinical testing. Allele origin: germline.
Comment: This missense variant replaces glutamic acid with glutamine at codon 304 of the BRCA2 protein. Computational prediction suggests that this variant may not impact protein structure and function (internally defined REVEL score threshold <= 0.5, PMID: 27666373). To our knowledge, functional studies have not been reported for this variant. This variant has been detected in a breast cancer case-control meta-analysis in 1/60463 cases and 0/53461 unaffected individuals (PMID: 33471991; Leiden Open Variation Database DB-ID BRCA2_007773). This variant has not been identified in the general population by the Genome Aggregation Database (gnomAD). The available evidence is insufficient to determine the role of this variant in disease conclusively. Therefore, this variant is classified as a Variant of Uncertain Significance.

Literature cited by the submitters: PubMed 33471991.

NM_000059.4(BRCA2):c.910G>C (p.Glu304Gln)

Gene: BRCA2 (BRCA2 DNA repair associated; plus strand). Cytogenetic location: 13q13.1.
Variant type: single nucleotide variant.
Coding change: c.910G>C on transcript NM_000059.4 (MANE Select); coding-DNA position 910, G replaced by C.
Protein change: p.Glu304Gln; replaces glutamic acid 304 with glutamine.
Molecular consequence: missense variant. On other transcripts: non-coding transcript variant (1), intron variant (1).
Genome position (GRCh38, 1-based): chr13:32,332,388, G>C. VCF-style: chr13-32332388-G-C. GRCh37 (hg19) VCF-style: chr13-32906525-G-C.
Other names: c.910G>C, p.Glu304Gln (NM_001406719.1, NM_001406720.1, NM_001406721.1); c.424+1358G>C (NM_001406722.1); short protein forms E304Q.
Identifiers: ClinVar variation 2774879 (VCV002774879.2), dbSNP rs1593891461, ClinGen allele CA387760695.